The following is an entry in ClinVar:

NM_001267550.2(TTN):c.49919G>C (p.Ser16640Thr)

Genes: TTN-AS1 (TTN antisense RNA 1; plus strand), TTN (titin; minus strand). Cytogenetic location: 2q31.2.
Variant type: single nucleotide variant.
Coding change: c.49919G>C on transcript NM_001267550.2 (MANE Select); coding-DNA position 49919, G replaced by C.
Protein change: p.Ser16640Thr; replaces serine 16640 with threonine.
Molecular consequence: missense variant.
Genome position (GRCh38, 1-based): chr2:178,612,802, C>G on the plus strand (G>C on the coding strand, the complement: TTN is on the minus strand). VCF-style: chr2-178612802-C-G. GRCh37 (hg19) VCF-style: chr2-179477529-C-G.
Other names: p.S14999T:AGT>ACT; p.Ser14999Thr; c.44996G>C, p.Ser14999Thr (NM_001256850.1); c.22724G>C, p.Ser7575Thr (NM_003319.4); c.42215G>C, p.Ser14072Thr (NM_133378.4); c.23099G>C, p.Ser7700Thr (NM_133432.3); c.23300G>C, p.Ser7767Thr (NM_133437.4); short protein forms S16640T, S14072T, S14999T, S7575T, S7700T, S7767T.
Identifiers: ClinVar variation 47036 (VCV000047036.67), dbSNP rs55663050, ClinGen allele CA139823.
Genomic context (GRCh38, chr2:178,612,802, plus strand): 5'-TTATATATCCCAGACATCAAGAGTGACTTACATAGCTTCTCCCGGCAAAGCACAGGGTCA[C>G]TGGGTTCACTGGGTTCACTTTCCCCAGCCTTATTCACAGCTCTAACTCGGAATGAGTATT-3'
Protein context (NP_001254479.2, residues 16630-16650): KAGESEPSEP[Ser16640Thr]DPVLCREKLY

ClinVar aggregate classification (germline): Conflicting classifications of pathogenicity. Review status: criteria provided, conflicting classifications (1 of 4 stars). 25 submissions from 21 submitters: Uncertain significance (1); Benign (14); Likely benign (5). 5 of the submissions do not count toward it. Last evaluated 2026-09-01.

Conditions:
Cardiovascular phenotype. Identifiers: MedGen CN230736.
Dilated cardiomyopathy 1G (CMD1G). Identifiers: Orphanet 154, MedGen C1858763, MONDO:0011400, OMIM 604145.
Autosomal recessive limb-girdle muscular dystrophy type 2J (LGMDR10). Also called: MUSCULAR DYSTROPHY, LIMB-GIRDLE, AUTOSOMAL RECESSIVE 10; Limb-girdle muscular dystrophy, type 2J. Identifiers: Orphanet 140922, MedGen C1837342, MONDO:0012127, OMIM 608807.
Cardiomyopathy (CMYO). Also called: Cardiomyopathies. Identifiers: Orphanet 167848, MedGen C0878544, MONDO:0004994, HP:0001638. Inheritance: Various modes of inheritance.
Early-onset myopathy with fatal cardiomyopathy (CMYO5). Also called: CONGENITAL MYOPATHY 5 WITH CARDIOMYOPATHY; Salih Myopathy. Identifiers: Orphanet 289377, MedGen C2673677, MONDO:0012714, OMIM 611705. Disease mechanism: loss of function.
Myopathy, myofibrillar, 9, with early respiratory failure (MFM9). Also called: Myopathy, distal, with early respiratory failure, autosomal dominant; Hereditary myopathy with early respiratory failure; MYOPATHY, PROXIMAL, WITH EARLY RESPIRATORY MUSCLE INVOLVEMENT; EDSTROM MYOPATHY. Identifiers: Orphanet 178464, Orphanet 34521, MedGen C1863599, MONDO:0011362, OMIM 603689.
Tibial muscular dystrophy (TMD). Also called: Udd Distal Myopathy – Tibial Muscular Dystrophy; Tibial muscular dystrophy, tardive; UDD MYOPATHY. Identifiers: Orphanet 609, MedGen C1838244, MONDO:0010870, OMIM 600334.
Primary dilated cardiomyopathy (DCM). Also called: Dilated Cardiomyopathy. Identifiers: Orphanet 217604, MedGen C0007193, MeSH D002311, MONDO:0005021, HP:0001644. Inheritance: Various modes of inheritance.

Allele frequency attached by ClinVar (database versions not stated): gnomAD exomes 0.00375; ExAC 0.00446; TOPMed 0.00105; gnomAD 0.00183 and 0.00110; 1000 Genomes Project 0.00599; 1000 Genomes Project 30x 0.00593; ESP Exome Variant Server 0.00148.
gnomAD v4.1: 3,545 of 1,612,008 alleles (0.22%); highest among the groups gnomAD compares: South Asian, 2.1%; 53 homozygotes.

Submissions (25):

CeGaT Center for Human Genetics Tuebingen
Classification: Benign. Last evaluated: 2026-09-01. Review status: criteria provided, single submitter. Criteria: CeGaT Center For Human Genetics Tuebingen Variant Classification Criteria Version 2. Collection method: clinical testing. Allele origin: germline. Affected: yes. Observed: 18 variant alleles.
Comment: TTN: BS1, BS2

Labcorp Genetics (formerly Invitae), Labcorp
Classification: Benign for Dilated cardiomyopathy 1G; Autosomal recessive limb-girdle muscular dystrophy type 2J. Last evaluated: 2026-02-03. Review status: criteria provided, single submitter. Criteria: Invitae Variant Classification Sherloc (09022015). Collection method: clinical testing. Allele origin: germline.

ARUP Laboratories, Molecular Genetics and Genomics, ARUP Laboratories
Classification: Benign. Last evaluated: 2025-06-23. Review status: criteria provided, single submitter. Criteria: ARUP Molecular Germline Variant Investigation Process 2024. Collection method: clinical testing. Allele origin: germline.

Molecular Diagnostic Laboratory for Inherited Cardiovascular Disease, Montreal Heart Institute
Classification: Benign. Last evaluated: 2025-04-09. Review status: criteria provided, single submitter. Criteria: ACMG Guidelines, 2015. Collection method: clinical testing. Allele origin: germline. Affected: no.

Athena Diagnostics
Classification: Benign. Last evaluated: 2025-01-21. Review status: criteria provided, single submitter. Criteria: Athena Diagnostics Criteria. Collection method: clinical testing. Allele origin: unknown.
Comment: The frequency of this variant in the general population is higher than would generally be expected for pathogenic variants in this gene.

Mayo Clinic Laboratories, Mayo Clinic
Classification: Benign. Last evaluated: 2023-06-16. Review status: criteria provided, single submitter. Criteria: ACMG Guidelines, 2015. Collection method: clinical testing. Allele origin: germline. Observed: 9 variant alleles.
Comment: BS1, BS2

Women's Health and Genetics/Laboratory Corporation of America, LabCorp
Classification: Likely benign. Last evaluated: 2020-01-06. Review status: criteria provided, single submitter. Criteria: LabCorp Variant Classification Summary - May 2015. Collection method: clinical testing. Allele origin: germline.

Illumina Laboratory Services, Illumina
Classification: Likely benign for Autosomal recessive limb-girdle muscular dystrophy type 2J. Last evaluated: 2018-01-13. Review status: criteria provided, single submitter. Criteria: ICSL Variant Classification Criteria 13 December 2019. Collection method: clinical testing. Allele origin: germline.
Comment: This variant was observed in the ICSL laboratory as part of a predisposition screen in an ostensibly healthy population. It had not been previously curated by ICSL or reported in the Human Gene Mutation Database (HGMD: prior to June 1st, 2018), and was therefore a candidate for classification through an automated scoring system. Utilizing variant allele frequency, disease prevalence and penetrance estimates, and inheritance mode, an automated score was calculated to assess if this variant is too frequent to cause the disease. Based on the score and internal cut-off values, a variant classified as likely benign is not then subjected to further curation. The score for this variant resulted in a classification of likely benign for this disease.

Illumina Laboratory Services, Illumina
Classification: Likely benign for Early-onset myopathy with fatal cardiomyopathy. Last evaluated: 2018-01-13. Review status: criteria provided, single submitter. Criteria: ICSL Variant Classification Criteria 13 December 2019. Collection method: clinical testing. Allele origin: germline.
Comment: the same text as in the submission from Illumina Laboratory Services, Illumina above.

Illumina Laboratory Services, Illumina
Classification: Benign for Myopathy, myofibrillar, 9, with early respiratory failure. Last evaluated: 2018-01-13. Review status: criteria provided, single submitter. Criteria: ICSL Variant Classification Criteria 13 December 2019. Collection method: clinical testing. Allele origin: germline.
Comment: This variant was observed in the ICSL laboratory as part of a predisposition screen in an ostensibly healthy population. It had not been previously curated by ICSL or reported in the Human Gene Mutation Database (HGMD: prior to June 1st, 2018), and was therefore a candidate for classification through an automated scoring system. Utilizing variant allele frequency, disease prevalence and penetrance estimates, and inheritance mode, an automated score was calculated to assess if this variant is too frequent to cause the disease. Based on the score and internal cut-off values, a variant classified as benign is not then subjected to further curation. The score for this variant resulted in a classification of benign for this disease.

Illumina Laboratory Services, Illumina
Classification: Benign for Tibial muscular dystrophy. Last evaluated: 2018-01-13. Review status: criteria provided, single submitter. Criteria: ICSL Variant Classification Criteria 13 December 2019. Collection method: clinical testing. Allele origin: germline.
Comment: the same text as in the submission from Illumina Laboratory Services, Illumina above.

Illumina Laboratory Services, Illumina
Classification: Likely benign for Dilated cardiomyopathy 1G. Last evaluated: 2018-01-13. Review status: criteria provided, single submitter. Criteria: ICSL Variant Classification Criteria 13 December 2019. Collection method: clinical testing. Allele origin: germline.
Comment: the same text as in the submission from Illumina Laboratory Services, Illumina above.

Center for Advanced Laboratory Medicine, UC San Diego Health, University of California San Diego
Classification: Benign for Dilated cardiomyopathy. Last evaluated: 2017-02-28. Review status: criteria provided, single submitter. Criteria: ACMG Guidelines, 2015. Collection method: clinical testing. Allele origin: germline. Affected: yes. Observed: 1 variant allele.

CHEO Genetics Diagnostic Laboratory, Children's Hospital of Eastern Ontario
Classification: Benign for Cardiomyopathy. Last evaluated: 2016-08-22. Review status: criteria provided, single submitter. Criteria: ACMG Guidelines, 2015. Collection method: clinical testing. Allele origin: germline. Study: Canadian Open Genetics Repository.

GeneDx
Classification: Benign. Last evaluated: 2016-02-08. Review status: criteria provided, single submitter. Criteria: GeneDx Variant Classification (06012015). Collection method: clinical testing. Allele origin: germline. Affected: yes.
Comment: This variant is considered likely benign or benign based on one or more of the following criteria: it is a conservative change, it occurs at a poorly conserved position in the protein, it is predicted to be benign by multiple in silico algorithms, and/or has population frequency not consistent with disease.

Ambry Genetics
Classification: Benign for Cardiovascular phenotype. Last evaluated: 2016-01-06. Review status: criteria provided, single submitter. Criteria: Ambry Variant Classification Scheme 2023. Collection method: clinical testing. Allele origin: germline.

Eurofins Ntd Llc (ga)
Classification: Benign. Last evaluated: 2015-09-01. Review status: criteria provided, single submitter. Criteria: EGL Classification Definitions 2015. Collection method: clinical testing. Allele origin: germline. Observed: 1 variant allele, 1 heterozygote.

Laboratory for Molecular Medicine, Mass General Brigham Personalized Medicine
Classification: Benign. Last evaluated: 2015-02-25. Review status: criteria provided, single submitter. Criteria: LMM Criteria. Collection method: clinical testing. Allele origin: germline. Observed: 14 variant alleles.
Comment: p.Ser14072Thr in exon 214 of TTN: This variant is not expected to have clinical significance because it has been identified in 2.4% (386/16068) of South Asian c hromosomes by the Exome Aggregation Consortium (ExAC .org; dbSNP rs55663050).

Genetic Services Laboratory, University of Chicago
Classification: Uncertain significance. Last evaluated: 2014-03-17. Review status: criteria provided, single submitter. Criteria: ACMG Guidelines, 2007. Collection method: clinical testing. Allele origin: germline.

Biesecker Lab/Clinical Genomics Section, National Institutes of Health
Classification: Likely benign. Last evaluated: 2013-06-24. Review status: criteria provided, single submitter. Criteria: Ng et al. (Circ Cardiovasc Genet. 2013). Collection method: research. Allele origin: unknown. Observed: 5 variant alleles. Study: ClinSeq.
Comment: The study set was not selected for affection status in relation to any cancer. Pathogenicity categories were based on literature curation. See Pubmed ID:23861362 for details.

Medical sequencing

Clinical Genetics DNA and cytogenetics Diagnostics Lab, Erasmus MC, Erasmus Medical Center
Classification: Likely benign. Review status: no assertion criteria provided. Collection method: clinical testing. Allele origin: germline. Affected: yes. Study: VKGL Data-share Consensus. Not counted in ClinVar's aggregate classification.

Clinical Genetics, Academic Medical Center
Classification: Benign. Review status: no assertion criteria provided. Collection method: clinical testing. Allele origin: germline. Affected: yes. Study: VKGL Data-share Consensus. Not counted in ClinVar's aggregate classification.

Diagnostic Laboratory, Department of Genetics, University Medical Center Groningen
Classification: Likely benign. Review status: no assertion criteria provided. Collection method: clinical testing. Allele origin: germline. Affected: yes. Study: VKGL Data-share Consensus. Not counted in ClinVar's aggregate classification.

Joint Genome Diagnostic Labs from Nijmegen and Maastricht, Radboudumc and MUMC+
Classification: Benign. Review status: no assertion criteria provided. Collection method: clinical testing. Allele origin: germline. Affected: yes. Study: VKGL Data-share Consensus. Not counted in ClinVar's aggregate classification.

Laboratory of Diagnostic Genome Analysis, Leiden University Medical Center (LUMC)
Classification: Likely benign. Review status: no assertion criteria provided. Collection method: clinical testing. Allele origin: germline. Affected: yes. Study: VKGL Data-share Consensus. Not counted in ClinVar's aggregate classification.

Literature cited by the submitters: PubMed 23861362 (cited by Athena Diagnostics); PubMed 24503780 (cited by Athena Diagnostics).